The following is an entry in ClinVar:

ClinVar aggregate classification (germline): Likely benign (0 of 4 stars; one submission).

Conditions:
FOXF2-related disorder. Also called: FOXF2-related condition.

Allele frequency attached by ClinVar (database versions not stated): ExAC 0.00029; gnomAD 0.00194; TOPMed 0.00195.

Submission:

PreventionGenetics, part of Exact Sciences
Classification: Likely benign for FOXF2-related condition. Last evaluated: 2023-02-15. Review status: no assertion criteria provided. Collection method: clinical testing. Allele origin: germline.
Comment: This variant is classified as likely benign based on ACMG/AMP sequence variant interpretation guidelines (Richards et al. 2015 PMID: 25741868, with internal and published modifications).

NM_001452.2(FOXF2):c.121G>T (p.Ala41Ser)

Genes: FOXF2-DT (FOXF2 divergent transcript; minus strand), FOXF2 (forkhead box F2; plus strand). Cytogenetic location: 6p25.3.
Variant type: single nucleotide variant.
Coding change: c.121G>T on transcript NM_001452.2 (MANE Select); coding-DNA position 121, G replaced by T.
Protein change: p.Ala41Ser; replaces alanine 41 with serine.
Molecular consequence: missense variant.
Genome position (GRCh38, 1-based): chr6:1,390,068, G>T. VCF-style: chr6-1390068-G-T. GRCh37 (hg19) VCF-style: chr6-1390303-G-T.
Other names: short protein forms A41S.
Identifiers: ClinVar variation 3045896 (VCV003045896.2), dbSNP rs778501522, ClinGen allele CA3614466.